The following is an entry in ClinVar:

ClinVar aggregate classification (germline): Uncertain significance (1 of 4 stars; one submission).

Conditions:
EPILEPSY, CHILDHOOD ABSENCE, SUSCEPTIBILITY TO, 2 (ECA2). Identifiers: Orphanet 64280, MedGen C1843244, OMIM 607681.
Febrile seizures, familial, 8 (FEB8). Also called: CONVULSIONS, FAMILIAL FEBRILE, 8. Identifiers: Orphanet 36387, MedGen C1969810, MONDO:0011891, OMIM 607681.

gnomAD v4.1: 5 of 1,613,182 alleles (0.00031%); highest among the groups gnomAD compares: African/African-American, 0.0053%; no homozygotes.

Submission:

Labcorp Genetics (formerly Invitae), Labcorp
Classification: Uncertain significance for Febrile seizures, familial, 8; EPILEPSY, CHILDHOOD ABSENCE, SUSCEPTIBILITY TO, 2. Last evaluated: 2025-01-20. Review status: criteria provided, single submitter. Criteria: Invitae Variant Classification Sherloc (09022015). Collection method: clinical testing. Allele origin: germline.
Comment: This sequence change replaces threonine, which is neutral and polar, with isoleucine, which is neutral and non-polar, at codon 58 of the GABRG2 protein (p.Thr58Ile). This variant is not present in population databases (gnomAD no frequency). This variant has not been reported in the literature in individuals affected with GABRG2-related conditions. ClinVar contains an entry for this variant (Variation ID: 2152511). Invitae Evidence Modeling of protein sequence and biophysical properties (such as structural, functional, and spatial information, amino acid conservation, physicochemical variation, residue mobility, and thermodynamic stability) has been performed for this missense variant. However, the output from this modeling did not meet the statistical confidence thresholds required to predict the impact of this variant on GABRG2 protein function. In summary, the available evidence is currently insufficient to determine the role of this variant in disease. Therefore, it has been classified as a Variant of Uncertain Significance.

NM_198904.4(GABRG2):c.173C>T (p.Thr58Ile)

Gene: GABRG2 (gamma-aminobutyric acid type A receptor subunit gamma2; plus strand). Cytogenetic location: 5q34.
Variant type: single nucleotide variant.
Coding change: c.173C>T on transcript NM_198904.4 (MANE Select); coding-DNA position 173, C replaced by T.
Protein change: p.Thr58Ile; replaces threonine 58 with isoleucine.
Molecular consequence: missense variant. On other transcripts: 5 prime UTR variant (3).
Genome position (GRCh38, 1-based): chr5:162,093,893, C>T. VCF-style: chr5-162093893-C-T. GRCh37 (hg19) VCF-style: chr5-161520899-C-T.
Other names: c.173C>T, p.Thr58Ile (NM_000816.3, NM_001375340.1, NM_001375341.1 and 4 more transcripts); c.164C>T, p.Thr55Ile (NM_001375339.1); c.107C>T, p.Thr36Ile (NM_001375345.1, NM_001375346.1); c.86C>T, p.Thr29Ile (NM_001375347.1); c.-186C>T (NM_001375348.1, NM_001375350.1); c.-113C>T (NM_001375349.1); short protein forms T29I, T58I, T36I, T55I.
Identifiers: ClinVar variation 2152511 (VCV002152511.4), dbSNP rs763218917, ClinGen allele CA362182979.
Genomic context (GRCh38, chr5:162,093,893, plus strand): 5'-CTAGCCAGAAATCTGATGATGACTATGAAGATTATGCTTCTAACAAAACATGGGTCTTGA[C>T]TCCAAAAGTTCCTGAGGGTGATGTCACTGTCATCTTAAACAACCTGCTGGAAGGATATGA-3'
Protein context (NP_944494.1, residues 48-68): DYASNKTWVL[Thr58Ile]PKVPEGDVTV